The following is an entry in ClinVar:

ClinVar aggregate classification (germline): Pathogenic/Likely pathogenic. Review status: criteria provided, multiple submitters, no conflicts (2 of 4 stars). 10 submissions from 10 submitters: Pathogenic (8); Likely pathogenic (2). Last evaluated 2026-04-01.

Conditions:
Spinocerebellar ataxia type 34 (SCA34). Identifiers: Orphanet 1955, MedGen C1851481, MONDO:0007574, OMIM 133190.
ELOVL4-related disorder. Also called: ELOVL4-related disorders; ELOVL4-related condition.

Allele frequency attached by ClinVar (database versions not stated): gnomAD exomes below 0.00001.
gnomAD v4.1: 1 of 1,614,128 alleles (0.000062%); highest among the groups gnomAD compares: Non-Finnish European, 0.000085%; no homozygotes.

Submissions (10):

CeGaT Center for Human Genetics Tuebingen
Classification: Pathogenic. Last evaluated: 2026-04-01. Review status: criteria provided, single submitter. Criteria: CeGaT Center For Human Genetics Tuebingen Variant Classification Criteria Version 2. Collection method: clinical testing. Allele origin: germline. Affected: yes. Observed: 2 variant alleles.
Comment: ELOVL4: PP1:Strong, PS4, PM2

3billion
Classification: Pathogenic for Spinocerebellar ataxia type 34. Last evaluated: 2025-04-14. Review status: criteria provided, single submitter. Criteria: ACMG Guidelines, 2015. Collection method: clinical testing. Allele origin: germline. Affected: yes.
Comment: The variant is observed at an extremely low frequency in the gnomAD v4.1.0 dataset (total allele frequency: <0.001%). Predicted Consequence/Location: Missense variant. In silico tool predictions suggest no damaging effect of the variant on gene or gene product [REVEL: 0.37 (<0.4); 3Cnet: 0.00 (<0.1, specificity 0.84 and negative predicitive value 0.97)]. The same nucleotide change resulting in the same amino acid change has been previously reported as pathogenic/likely pathogenic with strong evidence (ClinVar ID: VCV000547008 / PMID: 30065956). The variant has been observed in multiple (>3) similarly affected unrelated individuals (PMID: 30065956, 31105016, 34234304, 34623043). Therefore, this variant is classified as Pathogenic according to the recommendation of ACMG/AMP guideline.

GeneDx
Classification: Pathogenic. Last evaluated: 2025-03-11. Review status: criteria provided, single submitter. Criteria: GeneDx Variant Classification Process June 2021. Collection method: clinical testing. Allele origin: germline. Affected: yes.
Comment: Not observed at significant frequency in large population cohorts (gnomAD); In silico analysis supports that this missense variant has a deleterious effect on protein structure/function; This variant is associated with the following publications: (PMID: 30065956, 33057194, 35982159, 34623043, 33816655, 33556440, 33655653, 34234304, 31105016, 36696030, 36464075)

CENTOGENE GmbH and LLC - Guiding Precision Medicine
Classification: Pathogenic for Spinocerebellar ataxia type 34. Last evaluated: 2024-07-18. Review status: criteria provided, single submitter. Criteria: ACMG Guidelines, 2015. Collection method: clinical testing. Allele origin: germline. Affected: yes.

Women's Health and Genetics/Laboratory Corporation of America, LabCorp
Classification: Pathogenic for ELOVL4-Related Disorder. Last evaluated: 2024-02-07. Review status: criteria provided, single submitter. Criteria: LabCorp Variant Classification Summary - May 2015. Collection method: clinical testing. Allele origin: germline.
Comment: Variant summary: ELOVL4 c.698C>T (p.Thr233Met) results in a non-conservative amino acid change in the encoded protein sequence. Four of five in-silico tools predict a damaging effect of the variant on protein function. The variant was absent in 251008 control chromosomes (gnomAD). c.698C>T has been reported in the literature in multiple individuals affected with erythrokeratodermia and spinocerebellar ataxia 34 (examples: Bourque_2018, Ozaki_2019, Benkirane_2021, and Wang_2021). The variant segregated with the disease in multiple families. These data indicate that the variant is very likely to be associated with disease. The following publications have been ascertained in the context of this evaluation (PMID: 30065956, 34234304, 34623043, 31105016). ClinVar contains an entry for this variant (Variation ID: 547008). Based on the evidence outlined above, the variant was classified as pathogenic.

Labcorp Genetics (formerly Invitae), Labcorp
Classification: Pathogenic. Last evaluated: 2024-01-18. Review status: criteria provided, single submitter. Criteria: Invitae Variant Classification Sherloc (09022015). Collection method: clinical testing. Allele origin: germline.
Comment: This sequence change replaces threonine, which is neutral and polar, with methionine, which is neutral and non-polar, at codon 233 of the ELOVL4 protein (p.Thr233Met). This variant is not present in population databases (gnomAD no frequency). This missense change has been observed in individuals with autosomal dominant spinocerebellar ataxia (PMID: 30065956, 31105016, 34234304, 34623043). It has also been observed to segregate with disease in related individuals. ClinVar contains an entry for this variant (Variation ID: 547008). Advanced modeling of protein sequence and biophysical properties (such as structural, functional, and spatial information, amino acid conservation, physicochemical variation, residue mobility, and thermodynamic stability) performed at Invitae indicates that this missense variant is not expected to disrupt ELOVL4 protein function with a negative predictive value of 80%. For these reasons, this variant has been classified as Pathogenic.

Blueprint Genetics
Classification: Pathogenic for ELOVL4-related disorders. Last evaluated: 2022-03-22. Review status: criteria provided, single submitter. Criteria: ACMG Guidelines, 2015. Collection method: clinical testing. Allele origin: germline. Affected: yes. Observed: 1 variant allele.

Institute of Medical Genetics and Applied Genomics, University Hospital Tübingen
Classification: Pathogenic. Last evaluated: 2021-09-15. Review status: criteria provided, single submitter. Criteria: ACMG Guidelines, 2015. Collection method: clinical testing. Allele origin: germline. Inheritance: Autosomal dominant inheritance. Affected: yes.

Victorian Clinical Genetics Services, Murdoch Childrens Research Institute
Classification: Likely pathogenic for Spinocerebellar ataxia type 34. Last evaluated: 2021-05-06. Review status: criteria provided, single submitter. Criteria: ACMG Guidelines, 2015. Collection method: clinical testing. Allele origin: germline. Affected: yes.
Comment: Based on the classification scheme VCGS_Germline_v1.3.4, this variant is classified as likely pathogenic. Following criteria are met: 0103 - Dominant negative and loss of function are mechanisms of disease in this gene. Dominant negative has been reported for Stargardt disease 3 (STG3; MIM#600110) while loss of function has been reported for STG3, spinocerebellar ataxia 34 (SCA34; MIM133190) and ichthyosis, spastic quadriplegia, and mental retardation (IQSMR; MIM#614457) (PMIDs: 31616255, 30982505, 33556440). (I) 0108 - This gene is associated with both recessive and dominant disease. This gene is associated with autosomal recessive IQSMR and autosomal dominant STG3 and SCA34. (I) 0115 - Variants in this gene are known to have variable expressivity in the context of SCA34. Some individuals with SCA34 may also have erythrokeratodermia variabilis and/or retinitis pigmentosa (PMID: 32780351). (I) 0200 - Variant is predicted to result in a missense amino acid change from threonine to methionine. (I) 0251 - This variant is heterozygous. (I) 0301 - Variant is absent from gnomAD (both v2 and v3). (SP) 0502 - Missense variant with conflicting in silico predictions and uninformative conservation. (I) 0600 - Variant is located in the annotated sixth transmembrane alpha helical segment (PMID: 31105016). (I) 0705 - No comparable missense variants have previous evidence for pathogenicity. (I) 0803 - This variant has limited previous evidence of pathogenicity in two unrelated individuals. This variant has been identified in two unrelated individuals with spinocerebellar ataxia and erythrokeratodermia (EK). The affected father of one of these individuals does not have EK. It should also be noted that this variant has been classified as a VUS by clinical diagnostic laboratories (PMIDs: 30065956; 31105016; Clinvar). (SP) 0906 - Segregation evidence for this variant is inconclusive. There is insufficient information to determine the segregation of this variant with disease (PMID: 31105016). (I) 1007 - No published functional evidence has been identified for this variant. (I) 1102 - Strong phenotype match for this individual. (SP) 1208 - Inheritance information for this variant is not currently available in this individual. (I) Legend: (SP) - Supporting pathogenic, (I) - Information, (SB) - Supporting benign

Genetic Services Laboratory, University of Chicago
Classification: Likely pathogenic. Last evaluated: 2019-11-19. Review status: criteria provided, single submitter. Criteria: ACMG Guidelines, 2015. Collection method: clinical testing. Allele origin: germline. Affected: yes.
Comment: DNA sequence analysis of the ELOVL4 gene demonstrated a sequence change, c.698C>T, that results in an amino acid change, p.Thr233Met. This sequence change has not been described in population databases (gnomAD, ExAC). The p.Thr233Met change has been described in one patient with a combination of erythrokeratodermia and spinocerebellar ataxia (SCA34) (PMID: 30065956). The p.Thr233Met change affects a moderately conserved amino acid residue located in a domain of the ELOVL4 protein that is known to be functional. In-silico pathogenicity prediction tools (SIFT, PolyPhen2, Align GVGD, REVEL) provide contradictory results for the p.Thr233Met substitution. Based on the de novo and novel nature of this sequence change, we interpret it as likely pathogenic, however functional studies have not been performed to prove this conclusively.

Literature cited by the submitters: PubMed 30065956 (cited by 4 submitters); PubMed 31105016 (cited by 4 submitters); PubMed 34623043 (cited by 3 submitters); PubMed 34234304 (cited by 3 submitters); PubMed 30982505 (cited by Victorian Clinical Genetics Services, Murdoch Childrens Research Institute); PubMed 31616255 (cited by Victorian Clinical Genetics Services, Murdoch Childrens Research Institute); PubMed 32780351 (cited by Victorian Clinical Genetics Services, Murdoch Childrens Research Institute); PubMed 33556440 (cited by Victorian Clinical Genetics Services, Murdoch Childrens Research Institute).

NM_022726.4(ELOVL4):c.698C>T (p.Thr233Met)

Gene: ELOVL4 (ELOVL fatty acid elongase 4; minus strand). Cytogenetic location: 6q14.1.
Variant type: single nucleotide variant.
Coding change: c.698C>T on transcript NM_022726.4 (MANE Select); coding-DNA position 698, C replaced by T.
Protein change: p.Thr233Met; replaces threonine 233 with methionine.
Molecular consequence: missense variant.
Genome position (GRCh38, 1-based): chr6:79,916,855, G>A on the plus strand (C>T on the coding strand, the complement: ELOVL4 is on the minus strand). VCF-style: chr6-79916855-G-A. GRCh37 (hg19) VCF-style: chr6-80626572-G-A.
Other names: short protein forms T233M.
Identifiers: ClinVar variation 547008 (VCV000547008.64), dbSNP rs1554162016, ClinGen allele CA364656044.
Genomic context (GRCh38, chr6:79,916,855, plus strand): 5'-GCAATTAGAGCCCAGTGCATCCATTTGGGGAAGGGGCAGTCAGTGTAAAGAGACAGTGCC[G>A]TGTGCCCAATGGTCACATGGAATTGAATCTGAAAAACAGAAATGACAGCACAAAACATTT-3'
Protein context (NP_073563.1, residues 223-243): LIQFHVTIGH[Thr233Met]ALSLYTDCPF